The following is an entry in ClinVar:

NM_000214.3(JAG1):c.248A>G (p.Gln83Arg)

Gene: JAG1 (jagged canonical Notch ligand 1; minus strand). Cytogenetic location: 20p12.2.
Variant type: single nucleotide variant.
Coding change: c.248A>G on transcript NM_000214.3 (MANE Select); coding-DNA position 248, A replaced by G.
Protein change: p.Gln83Arg; replaces glutamine 83 with arginine.
Molecular consequence: missense variant.
Genome position (GRCh38, 1-based): chr20:10,672,840, T>C on the plus strand (A>G on the coding strand, the complement: JAG1 is on the minus strand). VCF-style: chr20-10672840-T-C. GRCh37 (hg19) VCF-style: chr20-10653488-T-C.
Other names: c.248A>G, p.Gln83Arg (LRG_1191t1); short protein forms Q83R.
Identifiers: ClinVar variation 598325 (VCV000598325.12), dbSNP rs376092818, ClinGen allele CA9765191.

ClinVar aggregate classification (germline): Conflicting classifications of pathogenicity. Review status: criteria provided, conflicting classifications (1 of 4 stars). 4 submissions from 4 submitters: Uncertain significance (3); Likely benign (1). Last evaluated 2025-06-15.

Conditions:
Cardiovascular phenotype. Identifiers: MedGen CN230736.
Tetralogy of Fallot (TOF). Identifiers: Orphanet 3303, MedGen C0039685, MONDO:0008542, OMIM 187500, HP:0001636.
Deafness, congenital heart defects, and posterior embryotoxon (DCHE). Identifiers: MedGen C1866053, MONDO:0060713, OMIM 617992.
Alagille syndrome due to a JAG1 point mutation. Also called: Alagille Syndrome 1; HEPATIC DUCTULAR HYPOPLASIA, SYNDROMATIC; JAG1-Related Alagille Syndrome. Identifiers: Orphanet 261619, Orphanet 52, MedGen C1956125, MONDO:0016862, OMIM 118450.
Charcot-Marie-Tooth disease, axonal, Type 2HH. Also called: CHARCOT-MARIE-TOOTH NEUROPATHY, TYPE 2HH. Identifiers: MedGen C5562003, MONDO:0030458, OMIM 619574.

Allele frequency attached by ClinVar (database versions not stated): ExAC 0.00003; TOPMed 0.00006; ESP Exome Variant Server 0.00008; 1000 Genomes Project 30x 0.00031; gnomAD exomes 0.00001; gnomAD 0.00006; 1000 Genomes Project 0.00020.
gnomAD v4.1: 14 of 1,613,250 alleles (0.00087%); highest among the groups gnomAD compares: African/African-American, 0.019%; no homozygotes.

Submissions (4):

Labcorp Genetics (formerly Invitae), Labcorp
Classification: Likely benign for Alagille syndrome due to a JAG1 point mutation. Last evaluated: 2025-06-15. Review status: criteria provided, single submitter. Criteria: Invitae Variant Classification Sherloc (09022015). Collection method: clinical testing. Allele origin: germline.

Fulgent Genetics
Classification: Uncertain significance for Alagille syndrome due to a JAG1 point mutation; Tetralogy of Fallot; Deafness, congenital heart defects, and posterior embryotoxon; Charcot-Marie-Tooth disease, axonal, Type 2HH. Last evaluated: 2024-01-06. Review status: criteria provided, single submitter. Criteria: ACMG Guidelines, 2015. Collection method: clinical testing. Allele origin: germline.

Ambry Genetics
Classification: Uncertain significance for Cardiovascular phenotype. Last evaluated: 2021-09-26. Review status: criteria provided, single submitter. Criteria: Ambry Variant Classification Scheme 2023. Collection method: clinical testing. Allele origin: germline.
Comment: The p.Q83R variant (also known as c.248A>G), located in coding exon 2 of the JAG1 gene, results from an A to G substitution at nucleotide position 248. The glutamine at codon 83 is replaced by arginine, an amino acid with highly similar properties. This amino acid position is conserved. In addition, this alteration is predicted to be deleterious by in silico analysis. Since supporting evidence is limited at this time, the clinical significance of this alteration remains unclear.

Eurofins Ntd Llc (ga)
Classification: Uncertain significance. Last evaluated: 2018-08-15. Review status: criteria provided, single submitter. Criteria: EGL ClinVar v180209 classification definitions. Collection method: clinical testing. Allele origin: germline. Observed: 1 variant allele, 1 heterozygote.